The following is an entry in ClinVar:

NM_001367624.2(ZNF469):c.10130A>C (p.His3377Pro)

Gene: ZNF469 (zinc finger protein 469; plus strand). Cytogenetic location: 16q24.2.
Variant type: single nucleotide variant.
Coding change: c.10130A>C on transcript NM_001367624.2 (MANE Select); coding-DNA position 10130, A replaced by C.
Protein change: p.His3377Pro; replaces histidine 3377 with proline.
Molecular consequence: missense variant.
Genome position (GRCh38, 1-based): chr16:88,437,600, A>C. VCF-style: chr16-88437600-A-C. GRCh37 (hg19) VCF-style: chr16-88504008-A-C.
Other names: NM_001127464.1:c.10046A>C; short protein forms H3377P.
Identifiers: ClinVar variation 1777220 (VCV001777220.2), dbSNP rs2507605437, ClinGen allele CA397125799.

ClinVar aggregate classification (germline): Uncertain significance (1 of 4 stars; one submission).

Conditions:
Cardiovascular phenotype. Identifiers: MedGen CN230736.

Submission:

Ambry Genetics
Classification: Uncertain significance for Cardiovascular phenotype. Last evaluated: 2022-04-29. Review status: criteria provided, single submitter. Criteria: Ambry Variant Classification Scheme 2023. Collection method: clinical testing. Allele origin: germline.
Comment: The p.H3349P variant (also known as c.10046A>C), located in coding exon 2 of the ZNF469 gene, results from an A to C substitution at nucleotide position 10046. The histidine at codon 3349 is replaced by proline, an amino acid with similar properties. This amino acid position is conserved. In addition, this alteration is predicted to be tolerated by in silico analysis. Since supporting evidence is limited at this time, the clinical significance of this alteration remains unclear.